The following is an entry in ClinVar:

ClinVar aggregate classification (germline): Likely benign. Review status: criteria provided, multiple submitters, no conflicts (2 of 4 stars). 3 submissions from 3 submitters: Likely benign (2). 1 of the submissions does not count toward it. Last evaluated 2024-09-03.

Conditions:
NR2E3-related disorder. Also called: NR2E3-related disorders; NR2E3-related condition. Identifiers: MedGen CN239387.

Allele frequency attached by ClinVar (database versions not stated): ExAC 0.00001; gnomAD exomes 0.00001 and 0.00002; TOPMed 0.00001; gnomAD 0.00002.
gnomAD v4.1: 20 of 1,613,754 alleles (0.0012%); highest among the groups gnomAD compares: Middle Eastern, 0.016%; no homozygotes.

Submissions (3):

Blueprint Genetics
Classification: Likely benign. Last evaluated: 2024-09-03. Review status: criteria provided, single submitter. Criteria: ACMG Guidelines, 2015. Collection method: clinical testing. Allele origin: germline.

Labcorp Genetics (formerly Invitae), Labcorp
Classification: Likely benign. Last evaluated: 2023-06-12. Review status: criteria provided, single submitter. Criteria: Invitae Variant Classification Sherloc (09022015). Collection method: clinical testing. Allele origin: germline.

PreventionGenetics, part of Exact Sciences
Classification: Likely benign for NR2E3-related condition. Last evaluated: 2022-03-21. Review status: no assertion criteria provided. Collection method: clinical testing. Allele origin: germline. Not counted in ClinVar's aggregate classification.
Comment: This variant is classified as likely benign based on ACMG/AMP sequence variant interpretation guidelines (Richards et al. 2015 PMID: 25741868, with internal and published modifications).

NM_014249.4(NR2E3):c.663T>C (p.His221=)

Gene: NR2E3 (nuclear receptor subfamily 2 group E member 3; plus strand). Cytogenetic location: 15q23.
Variant type: single nucleotide variant.
Coding change: c.663T>C on transcript NM_014249.4 (MANE Select); coding-DNA position 663, T replaced by C.
Protein change: p.His221=; no amino-acid change (histidine 221 retained).
Molecular consequence: synonymous variant.
Genome position (GRCh38, 1-based): chr15:71,812,427, T>C. VCF-style: chr15-71812427-T-C. GRCh37 (hg19) VCF-style: chr15-72104767-T-C.
Other names: c.663T>C, p.His221= (NM_016346.4); c.663T>C (NM_014249.3).
Identifiers: ClinVar variation 1464454 (VCV001464454.11), dbSNP rs771105535, ClinGen allele CA7640365.